The following is an entry in ClinVar:

ClinVar aggregate classification (germline): Likely pathogenic (1 of 4 stars; one submission).

Conditions:
Usher syndrome type 3. Also called: Usher Syndrome, Type III. Identifiers: Orphanet 231183, MedGen C1568248, MONDO:0016485.

Submission:

Natera, Inc.
Classification: Likely pathogenic for Usher syndrome type 3. Last evaluated: 2025-04-15. Review status: criteria provided, single submitter. Criteria: Natera Variant Classification Schema (03/2026). Collection method: clinical testing. Allele origin: germline.
Comment: The c.463_466del variant in CLRN1 is a frameshift variant predicted to shift the reading frame beginning at codon 155 and leads to a stop codon 4 codons downstream. This variant is expected to result in nonsense mediated decay, truncation, or a dysfunctional protein product. This variant is rare in the general population with a frequency below the threshold expected for the associated phenotype(s). Given the available evidence, this variant is classified as Likely Pathogenic.

NM_174878.3(CLRN1):c.463_466del (p.Phe155fs)

Gene: CLRN1 (clarin 1; minus strand). Cytogenetic location: 3q25.1.
Variant type: Deletion.
Coding change: c.463_466del on transcript NM_174878.3 (MANE Select); coding-DNA positions 463 to 466, 4 bases deleted (TTTG; older notation c.463_466delTTTG).
Protein change: p.Phe155fs; shifts the reading frame from phenylalanine 155.
Molecular consequence: frameshift variant. On other transcripts: 3 prime UTR variant (1), non-coding transcript variant (1).
Genome position (GRCh38, 1-based): chr3:150,928,169-150,928,172, CAAA deleted on the plus strand (TTTG on the coding strand, the reverse complement: CLRN1 is on the minus strand); deleting any 4 consecutive bases within chr3:150,928,169-150,928,175 gives the same sequence; the c. name uses the placement nearest the transcript's 3' end. VCF-style (leftmost placement, unchanged base first): chr3-150928168-GCAAA-G. GRCh37 (hg19) VCF-style: chr3-150645955-GCAAA-G.
Other names: c.502_505del, p.Phe168fs (NM_001195794.1); c.*77_*80del (NM_001256819.2); c.235_238del, p.Phe79fs (NM_052995.2); short protein forms F155fs, F168fs, F79fs.
Identifiers: ClinVar variation 4064866 (VCV004064866.2).